The following is an entry in ClinVar:

ClinVar aggregate classification (germline): Pathogenic (1 of 4 stars; one submission).

Conditions:
Wilson disease (WND). Also called: Wilson's disease. Identifiers: Orphanet 905, MedGen C0019202, MONDO:0010200, OMIM 277900. Disease mechanism: loss of function.

Submission:

Labcorp Genetics (formerly Invitae), Labcorp
Classification: Pathogenic for Wilson disease. Last evaluated: 2023-01-31. Review status: criteria provided, single submitter. Criteria: Invitae Variant Classification Sherloc (09022015). Collection method: clinical testing. Allele origin: germline.
Comment: This sequence change creates a premature translational stop signal (p.Ile537Glyfs*17) in the ATP7B gene. It is expected to result in an absent or disrupted protein product. Loss-of-function variants in ATP7B are known to be pathogenic (PMID: 10441329, 16283883). This variant is not present in population databases (gnomAD no frequency). This variant has not been reported in the literature in individuals affected with ATP7B-related conditions. For these reasons, this variant has been classified as Pathogenic.

Literature cited by the submitters: PubMed 10441329; PubMed 16283883.

NM_000053.4(ATP7B):c.1605_1608dup (p.Ile537fs)

Gene: ATP7B (ATPase copper transporting beta; minus strand). Cytogenetic location: 13q14.3.
Variant type: Duplication.
Coding change: c.1605_1608dup on transcript NM_000053.4 (MANE Select); coding-DNA positions 1605 to 1608, 4 bases duplicated (GGTC; older notation c.1605_1608dupGGTC).
Protein change: p.Ile537fs; shifts the reading frame from isoleucine 537.
Molecular consequence: frameshift variant. On other transcripts: intron variant (1).
Genome position (GRCh38, 1-based): chr13:51,968,543-51,968,546, GACC duplicated on the plus strand (GGTC on the coding strand, the reverse complement: ATP7B is on the minus strand). VCF-style (leftmost placement, unchanged base first): chr13-51968542-T-TGACC. GRCh37 (hg19) VCF-style: chr13-52542678-T-TGACC.
Other names: c.1605_1608dup, p.Ile537fs (NM_001406535.1, NM_001406537.1, NM_001406542.1 and 26 more transcripts); c.1509_1512dup, p.Ile505fs (NM_001406536.1, NM_001406543.1, NM_001406544.1 and 3 more transcripts); c.1285+5389_1285+5392dup (NM_001406548.1); c.1176_1179dup, p.Ile394fs (NM_001406539.1); c.1272_1275dup, p.Ile426fs (NM_001243182.2); c.1572_1575dup, p.Ile526fs (NM_001406514.1, NM_001406524.1); short protein forms I526fs, I394fs, I426fs, I505fs, I537fs.
Identifiers: ClinVar variation 2833320 (VCV002833320.3), dbSNP rs2547778823, ClinGen allele CA2739277630.
Genomic context (GRCh38, chr13:51,968,542, plus strand): 5'-CCATGACTGCTGCCTCAAAACCCAGGTCCTGGATGAACTGAGCTATCTCGAGGGGCTGGA[T>TGACC]GACCTCTGGGTCATACTTGATCTCTGCCTTTCCTGCCATCAAGGCAACCAACACGGAGAG-3'